The following is an entry in ClinVar:

NM_015466.4(PTPN23):c.3011C>T (p.Pro1004Leu)

Gene: PTPN23 (protein tyrosine phosphatase non-receptor type 23; plus strand). Cytogenetic location: 3p21.31.
Variant type: single nucleotide variant.
Coding change: c.3011C>T on transcript NM_015466.4 (MANE Select); coding-DNA position 3011, C replaced by T.
Protein change: p.Pro1004Leu; replaces proline 1004 with leucine.
Molecular consequence: missense variant.
Genome position (GRCh38, 1-based): chr3:47,410,809, C>T. VCF-style: chr3-47410809-C-T. GRCh37 (hg19) VCF-style: chr3-47452299-C-T.
Other names: c.2633C>T, p.Pro878Leu (NM_001304482.2); short protein forms P878L, P1004L.
Identifiers: ClinVar variation 1399973 (VCV001399973.3), dbSNP rs774986246, ClinGen allele CA2366167.

ClinVar aggregate classification (germline): Uncertain significance (1 of 4 stars; one submission).

Allele frequency attached by ClinVar (database versions not stated): gnomAD 0.00003; gnomAD exomes 0.00005 and 0.00010; ExAC 0.00009.
gnomAD v4.1: 71 of 1,600,738 alleles (0.0044%); highest among the groups gnomAD compares: South Asian, 0.076%; 1 homozygote.

Submission:

Labcorp Genetics (formerly Invitae), Labcorp
Classification: Uncertain significance. Last evaluated: 2022-07-05. Review status: criteria provided, single submitter. Criteria: Invitae Variant Classification Sherloc (09022015). Collection method: clinical testing. Allele origin: germline.
Comment: This sequence change replaces proline, which is neutral and non-polar, with leucine, which is neutral and non-polar, at codon 1004 of the PTPN23 protein (p.Pro1004Leu). This variant is present in population databases (rs774986246, gnomAD 0.09%). This variant has not been reported in the literature in individuals affected with PTPN23-related conditions. ClinVar contains an entry for this variant (Variation ID: 1399973). Algorithms developed to predict the effect of missense changes on protein structure and function are either unavailable or do not agree on the potential impact of this missense change (SIFT: "Tolerated"; PolyPhen-2: "Not Available"; Align-GVGD: "Class C0"). In summary, the available evidence is currently insufficient to determine the role of this variant in disease. Therefore, it has been classified as a Variant of Uncertain Significance.